The following is an entry in ClinVar:

ClinVar aggregate classification (germline): Conflicting classifications of pathogenicity. Review status: criteria provided, conflicting classifications (1 of 4 stars). 11 submissions from 11 submitters: Uncertain significance (10); Benign (1). Last evaluated 2026-09-01.

Conditions:
POLG-related disorder. Also called: POLG-Related Spectrum Disorders; POLG-related condition; POLG-Related Disorders. Identifiers: MedGen C4763519.
Progressive sclerosing poliodystrophy (MTDPS4A). Also called: Alpers Syndrome; Mitochondrial DNA Depletion Syndrome 4A; Alpers-Huttenlocher Syndrome (AHS); Alpers-Huttenlocher Syndrome; Mitochondrial DNA depletion syndrome 4A (Alpers type); ALPERS PROGRESSIVE INFANTILE POLIODYSTROPHY. Identifiers: Orphanet 726, MedGen C0205710, MONDO:0008758, OMIM 203700.

Allele frequency attached by ClinVar (database versions not stated): gnomAD exomes 0.00015 and 0.00019; gnomAD 0.00014 and 0.00015; TOPMed 0.00016; 1000 Genomes Project 0.00020; 1000 Genomes Project 30x 0.00031; ExAC 0.00017; ESP Exome Variant Server 0.00031.

Submissions (11):

CeGaT Center for Human Genetics Tuebingen
Classification: Uncertain significance. Last evaluated: 2026-09-01. Review status: criteria provided, single submitter. Criteria: CeGaT Center For Human Genetics Tuebingen Variant Classification Criteria Version 2. Collection method: clinical testing. Allele origin: germline. Affected: yes. Observed: 4 variant alleles.

PreventionGenetics, part of Exact Sciences
Classification: Uncertain significance for POLG-related condition. Last evaluated: 2026-02-14. Review status: criteria provided, single submitter. Criteria: ACMG Guidelines, 2015. Collection method: clinical testing. Allele origin: germline.
Comment: The POLG c.3436C>T variant is predicted to result in the amino acid substitution p.Arg1146Cys. This variant has been reported in the heterozygous state in an individual with a mild mitochondrial deletion phenotype involving muscle atrophy (Gonzalez-Vioque et al. 2006. PubMed ID: 16401742) and in another patient with clinical features of POLG deficiency (Supp. Table 3, Tang S et al 2011. PubMed ID: 21880868). This variant was also reported in the homozygous state in an individual with a presumed mitochondrial maintenance disorder; however, the authors refer to this variant as a "neutral polymorphism" (Wang W et al 2010. PubMed ID: 20843780). Another study reported the c.3436C>T variant in the heterozygous state in a patient with dystonia and ophthalmoplegia and the variant was inherited from a mother with strabismus (Rossi M et al 2016. PubMed ID: 30838265). This variant was identified in a cohort study of patients with dementia with Lewy bodies (Supp. Table 3, Orme T et al 2020. PubMed ID: 31996268). This variant is reported in 0.035% (53/282776) of alleles in individuals of East Asian descent in gnomAD, which could be too common for a highly penetrant autosomal dominant disorder. At this time, the clinical significance of this variant is uncertain due to the absence of conclusive functional and genetic evidence.

Labcorp Genetics (formerly Invitae), Labcorp
Classification: Uncertain significance for Progressive sclerosing poliodystrophy. Last evaluated: 2026-01-27. Review status: criteria provided, single submitter. Criteria: Invitae Variant Classification Sherloc (09022015). Collection method: clinical testing. Allele origin: germline.
Comment: This sequence change replaces arginine, which is basic and polar, with cysteine, which is neutral and slightly polar, at codon 1146 of the POLG protein (p.Arg1146Cys). This variant is present in population databases (rs2307440, gnomAD 0.03%). This missense change has been observed in individual(s) with autosomal dominant progressive external ophthalmoplegia and/or mitochondrial disease (PMID: 16401742, 20843780, 21880868, 30838265). ClinVar contains an entry for this variant (Variation ID: 21313). Invitae Evidence Modeling of protein sequence and biophysical properties (such as structural, functional, and spatial information, amino acid conservation, physicochemical variation, residue mobility, and thermodynamic stability) indicates that this missense variant is expected to disrupt POLG protein function with a positive predictive value of 95%. Experimental studies have shown that this missense change affects POLG function (PMID: 25462018). In summary, the available evidence is currently insufficient to determine the role of this variant in disease. Therefore, it has been classified as a Variant of Uncertain Significance.

Mayo Clinic Laboratories, Mayo Clinic
Classification: Uncertain significance. Last evaluated: 2025-12-04. Review status: criteria provided, single submitter. Criteria: ACMG Guidelines, 2015. Collection method: clinical testing. Allele origin: germline. Observed: 4 variant alleles.
Comment: PP3_moderate

Athena Diagnostics
Classification: Uncertain significance. Last evaluated: 2025-07-11. Review status: criteria provided, single submitter. Criteria: Athena Diagnostics Criteria. Collection method: clinical testing. Allele origin: unknown.
Comment: Available data are insufficient to determine the clinical significance of the variant at this time. The frequency of this variant in the general population is uninformative in assessment of its pathogenicity. Assessment of experimental analysis yielded inconclusive results regarding the impact of this variant on protein function. (PMID: 25462018)

Women's Health and Genetics/Laboratory Corporation of America, LabCorp
Classification: Uncertain significance. Last evaluated: 2025-03-26. Review status: criteria provided, single submitter. Criteria: LabCorp Variant Classification Summary - May 2015. Collection method: clinical testing. Allele origin: germline.
Comment: Variant summary: POLG c.3436C>T (p.Arg1146Cys) results in a non-conservative amino acid change in the encoded protein sequence. Five of five in-silico tools predict a damaging effect of the variant on protein function. The variant allele was found at a frequency of 0.00019 in 251396 control chromosomes. This frequency is not significantly higher than estimated for a pathogenic variant in POLG causing POLG-Related Spectrum Disorders, allowing no conclusion about variant significance. c.3436C>T has been reported in the heterozygous or homozygous state in the literature in multiple individuals affected with myopathy, epilepsy, dystonia, mtDNA depletion, or other POLG-related phenotypes without strong evidence for causality (example, Gonzalez-Vioque_2006, Li_2023, Rossi_2017, Tang_2011, Wang_2011, Zhao_2020). These report(s) do not provide unequivocal conclusions about association of the variant with POLG-Related Spectrum Disorders. One publication reports experimental evidence evaluating an impact on protein function in a Saccharomyces cerevisiae in vitro assay, however, does not allow convincing conclusions about the variant effect (example, Baruffini_2015). The following publications have been ascertained in the context of this evaluation (PMID: 16401742, 35478072, 30838265, 21880868, 20843780, 32613234, 25462018). ClinVar contains an entry for this variant (Variation ID: 21313). Based on the evidence outlined above, the variant was classified as uncertain significance.

GeneDx
Classification: Uncertain significance. Last evaluated: 2024-11-26. Review status: criteria provided, single submitter. Criteria: GeneDx Variant Classification Process June 2021. Collection method: clinical testing. Allele origin: germline. Affected: yes.
Comment: Identified heterozygous in an adult with diplopia, dysarthria, and dysphagia, loss skills, cerebellar dysarthria, severe horizontal and vertical external ophthalmoparesis, esotropia, slight left ptosis, and asymmetric facial muscle weakness. The proband's mother with strabismus was also heterozygous (PMID: 30838265); In silico analysis supports that this missense variant has a deleterious effect on protein structure/function; This variant is associated with the following publications: (PMID: 21880868, 20843780, 15913923, 25462018, 19275594, 31996268, 34828412, 16401742, 30838265, 34803902, 32613234)

Blueprint Genetics
Classification: Uncertain significance. Last evaluated: 2024-11-24. Review status: criteria provided, single submitter. Criteria: ACMG Guidelines, 2015. Collection method: clinical testing. Allele origin: germline.

Mendelics
Classification: Benign for Progressive sclerosing poliodystrophy. Last evaluated: 2019-05-28. Review status: criteria provided, single submitter. Criteria: Mendelics Assertion Criteria 2017. Collection method: clinical testing. Allele origin: unknown.

Baylor Genetics
Classification: Uncertain significance for Progressive sclerosing poliodystrophy. Last evaluated: 2019-05-04. Review status: criteria provided, single submitter. Criteria: ACMG Guidelines, 2015. Collection method: clinical testing. Allele origin: unknown. Affected: yes.
Comment: This variant was determined to be of uncertain significance according to ACMG Guidelines, 2015 [PMID:25741868]. This variant has been previously reported in patients with mitochondrial disorders [PMID 16401742]

Wong Mito Lab, Molecular and Human Genetics, Baylor College of Medicine
Classification: Uncertain significance for Progressive sclerosing poliodystrophy. Last evaluated: 2018-10-01. Review status: criteria provided, single submitter. Criteria: ACMG Guidelines, 2015. Collection method: clinical testing. Allele origin: germline.
Comment: The NM_002693.2:c.3436C>T (NP_002684.1:p.Arg1146Cys) [GRCH38: NC_000015.10:g.89318587G>A] variant in POLG gene is interpretated to be a Benign based on ACMG guidelines (PMID: 25741868). This variant has been reported in PMID:16401742 . This variant meets the following evidence codes reported in the ACMG-guideline. BS1:The minor allele frequency of this allele is high for Mitochondrial DNA depletion syndrome 4A (Alpers type). BS2:Observation of the variant in controls is inconsistent with penetrance of Mitochondrial DNA depletion syndrome 4A (Alpers type). Based on the evidence criteria codes applied, the variant is suggested to be Benign.

Literature cited by the submitters: PubMed 16401742 (cited by 5 submitters); PubMed 20843780 (cited by 3 submitters); PubMed 21880868 (cited by 3 submitters); PubMed 30838265 (cited by 3 submitters); PubMed 25462018 (cited by 3 submitters); PubMed 31996268 (cited by Athena Diagnostics); PubMed 35478072 (cited by Athena Diagnostics and Women's Health and Genetics/Laboratory Corporation of America, LabCorp); PubMed 32613234 (cited by Athena Diagnostics and Women's Health and Genetics/Laboratory Corporation of America, LabCorp); PubMed 34803902 (cited by Athena Diagnostics).

NM_002693.3(POLG):c.3436C>T (p.Arg1146Cys)

Gene: POLG (DNA polymerase gamma, catalytic subunit; minus strand). Cytogenetic location: 15q26.1.
Variant type: single nucleotide variant.
Coding change: c.3436C>T on transcript NM_002693.3 (MANE Select); coding-DNA position 3436, C replaced by T.
Protein change: p.Arg1146Cys; replaces arginine 1146 with cysteine.
Molecular consequence: missense variant.
Genome position (GRCh38, 1-based): chr15:89,318,587, G>A on the plus strand (C>T on the coding strand, the complement: POLG is on the minus strand). VCF-style: chr15-89318587-G-A. GRCh37 (hg19) VCF-style: chr15-89861818-G-A.
Other names: p.R1146C:CGC>TGC; c.3436C>T, p.Arg1146Cys (NM_001126131.2); short protein forms R1146C.
Identifiers: ClinVar variation 21313 (VCV000021313.60), dbSNP rs2307440, ClinGen allele CA292845.